The following is an entry in ClinVar:

ClinVar aggregate classification (germline): Uncertain significance (1 of 4 stars; one submission).

Conditions:
X-linked agammaglobulinemia with growth hormone deficiency (IGHD3). Also called: AGAMMAGLOBULINEMIA AND ISOLATED GROWTH HORMONE DEFICIENCY, X-LINKED; ISOLATED GROWTH HORMONE DEFICIENCY, TYPE III, WITH AGAMMAGLOBULINEMIA; FLEISHER SYNDROME; HYPOGAMMAGLOBULINEMIA AND ISOLATED GROWTH HORMONE DEFICIENCY, X-LINKED; IGHD III; Isolated growth hormone deficiency type 3. Identifiers: Orphanet 231692, Orphanet 631, MedGen C0472813, MONDO:0010615, OMIM 307200.

Submission:

Labcorp Genetics (formerly Invitae), Labcorp
Classification: Uncertain significance for X-linked agammaglobulinemia with growth hormone deficiency. Last evaluated: 2021-07-22. Review status: criteria provided, single submitter. Criteria: Invitae Variant Classification Sherloc (09022015). Collection method: clinical testing. Allele origin: germline.
Comment: This variant is not present in population databases (ExAC no frequency). In summary, the available evidence is currently insufficient to determine the role of this variant in disease. Therefore, it has been classified as a Variant of Uncertain Significance. Algorithms developed to predict the effect of sequence changes on RNA splicing suggest that this variant may create or strengthen a splice site, but this prediction has not been confirmed by published transcriptional studies. Algorithms developed to predict the effect of missense changes on protein structure and function are either unavailable or do not agree on the potential impact of this missense change (SIFT: "Deleterious"; PolyPhen-2: "Benign"; Align-GVGD: "Class C25"). This variant has not been reported in the literature in individuals with BTK-related conditions. This sequence change replaces lysine with arginine at codon 26 of the BTK protein (p.Lys26Arg). The lysine residue is highly conserved and there is a small physicochemical difference between lysine and arginine.

NM_000061.3(BTK):c.77A>G (p.Lys26Arg)

Gene: BTK (Bruton tyrosine kinase; minus strand). Cytogenetic location: Xq22.1.
Variant type: single nucleotide variant.
Coding change: c.77A>G on transcript NM_000061.3 (MANE Select); coding-DNA position 77, A replaced by G.
Protein change: p.Lys26Arg; replaces lysine 26 with arginine.
Molecular consequence: missense variant.
Genome position (GRCh38, 1-based): chrX:101,375,208, T>C on the plus strand (A>G on the coding strand, the complement: BTK is on the minus strand). VCF-style: chrX-101375208-T-C. GRCh37 (hg19) VCF-style: chrX-100630196-T-C.
Other names: c.179A>G, p.Lys60Arg (NM_001287344.2); c.77A>G, p.Lys26Arg (NM_001287345.2); short protein forms K26R, K60R.
Identifiers: ClinVar variation 1064361 (VCV001064361.9), dbSNP rs2147448262, ClinGen allele CA413939551.